The following is an entry in ClinVar:

ClinVar aggregate classification (germline): Likely benign (0 of 4 stars; one submission).

Conditions:
MYO9B-related disorder. Also called: MYO9B-related condition.

Allele frequency attached by ClinVar (database versions not stated): ExAC 0.00018; 1000 Genomes Project 30x 0.00094; 1000 Genomes Project 0.00120.
gnomAD v4.1: 125 of 1,597,964 alleles (0.0078%); highest among the groups gnomAD compares: South Asian, 0.12%; 2 homozygotes.

Submission:

PreventionGenetics, part of Exact Sciences
Classification: Likely benign for MYO9B-related condition. Last evaluated: 2019-02-21. Review status: no assertion criteria provided. Collection method: clinical testing. Allele origin: germline.
Comment: This variant is classified as likely benign based on ACMG/AMP sequence variant interpretation guidelines (Richards et al. 2015 PMID: 25741868, with internal and published modifications).

NM_004145.4(MYO9B):c.2127C>T (p.Ala709=)

Gene: MYO9B (myosin IXB; plus strand). Cytogenetic location: 19p13.11.
Variant type: single nucleotide variant.
Coding change: c.2127C>T on transcript NM_004145.4 (MANE Select); coding-DNA position 2127, C replaced by T.
Protein change: p.Ala709=; no amino-acid change (alanine 709 retained).
Molecular consequence: synonymous variant.
Genome position (GRCh38, 1-based): chr19:17,172,950, C>T. VCF-style: chr19-17172950-C-T. GRCh37 (hg19) VCF-style: chr19-17283759-C-T.
Other names: c.2127C>T, p.Ala709= (NM_001130065.2).
Identifiers: ClinVar variation 3048969 (VCV003048969.2), dbSNP rs559495498, ClinGen allele CA9287449.